The following is an entry in ClinVar:

NM_031935.3(HMCN1):c.12043C>T (p.Pro4015Ser)

Gene: HMCN1 (hemicentin 1; plus strand). Cytogenetic location: 1q31.1.
Variant type: single nucleotide variant.
Coding change: c.12043C>T on transcript NM_031935.3 (MANE Select); coding-DNA position 12043, C replaced by T.
Protein change: p.Pro4015Ser; replaces proline 4015 with serine.
Molecular consequence: missense variant.
Genome position (GRCh38, 1-based): chr1:186,119,831, C>T. VCF-style: chr1-186119831-C-T. GRCh37 (hg19) VCF-style: chr1-186088963-C-T.
Other names: short protein forms P4015S.
Identifiers: ClinVar variation 294240 (VCV000294240.11), dbSNP rs367750334, ClinGen allele CA1294239.
Genomic context (GRCh38, chr1:186,119,831, plus strand): 5'-AGTGAACTACACGTCATTCTGAACAATCCTATTTTATTACCATGTGAAGCAACAGGGACA[C>T]CCAGTCCTTTCATTACTTGGCAAAAAGAAGGCATCAATGTTAACACTTCAGGTACCTACC-3'
Protein context (NP_114141.2, residues 4005-4025): ILLPCEATGT[Pro4015Ser]SPFITWQKEG

ClinVar aggregate classification (germline): Uncertain significance. Review status: criteria provided, multiple submitters, no conflicts (2 of 4 stars). 4 submissions from 4 submitters: Uncertain significance (4). Last evaluated 2025-03-17.

Conditions:
Age related macular degeneration 1 (ARMD1). Also called: MACULOPATHY, AGE-RELATED, 1. Identifiers: MedGen C1864205, MONDO:0011285, OMIM 603075.

Allele frequency attached by ClinVar (database versions not stated): gnomAD 0.00004; TOPMed 0.00004; ESP Exome Variant Server 0.00008.
gnomAD v4.1: 106 of 1,613,954 alleles (0.0066%); highest among the groups gnomAD compares: Non-Finnish European, 0.0082%; no homozygotes.

Submissions (4):

Labcorp Genetics (formerly Invitae), Labcorp
Classification: Uncertain significance. Last evaluated: 2025-03-17. Review status: criteria provided, single submitter. Criteria: Invitae Variant Classification Sherloc (09022015). Collection method: clinical testing. Allele origin: germline.
Comment: This sequence change replaces proline, which is neutral and non-polar, with serine, which is neutral and polar, at codon 4015 of the HMCN1 protein (p.Pro4015Ser). This variant is present in population databases (rs367750334, gnomAD 0.008%). This variant has not been reported in the literature in individuals affected with HMCN1-related conditions. ClinVar contains an entry for this variant (Variation ID: 294240). An algorithm developed to predict the effect of missense changes on protein structure and function (PolyPhen-2) suggests that this variant is likely to be disruptive. In summary, the available evidence is currently insufficient to determine the role of this variant in disease. Therefore, it has been classified as a Variant of Uncertain Significance.

Ambry Genetics
Classification: Uncertain significance. Last evaluated: 2025-02-07. Review status: criteria provided, single submitter. Criteria: Ambry Variant Classification Scheme 2023. Collection method: clinical testing. Allele origin: germline.

Genome-Nilou Lab
Classification: Uncertain significance for Age related macular degeneration 1. Last evaluated: 2023-04-11. Review status: criteria provided, single submitter. Criteria: ACMG Guidelines, 2015. Collection method: clinical testing. Allele origin: germline. Affected: no.

Illumina Laboratory Services, Illumina
Classification: Uncertain significance for Age related macular degeneration 1. Last evaluated: 2018-01-13. Review status: criteria provided, single submitter. Criteria: ICSL Variant Classification Criteria 13 December 2019. Collection method: clinical testing. Allele origin: germline.